The following is an entry in ClinVar:

ClinVar aggregate classification (germline): Uncertain significance (1 of 4 stars; one submission).

Conditions:
Hereditary cancer-predisposing syndrome. Also called: Hereditary neoplastic syndrome; Neoplastic Syndromes, Hereditary; Tumor predisposition; Hereditary Cancer Syndrome. Identifiers: Orphanet 140162, MedGen C0027672, MeSH D009386, MONDO:0015356.

Submission:

Ambry Genetics
Classification: Uncertain significance for Hereditary cancer-predisposing syndrome. Last evaluated: 2025-08-27. Review status: criteria provided, single submitter. Criteria: Ambry Variant Classification Scheme 2023. Collection method: clinical testing. Allele origin: germline.
Comment: The p.V194I variant (also known as c.580G>A), located in coding exon 8 of the MUTYH gene, results from a G to A substitution at nucleotide position 580. The valine at codon 194 is replaced by isoleucine, an amino acid with highly similar properties. This amino acid position is conserved. In addition, the in silico prediction for this alteration is inconclusive. Based on the available evidence, the clinical significance of this variant remains unclear.

NM_001048174.2(MUTYH):c.496G>A (p.Val166Ile)

Gene: MUTYH (mutY DNA glycosylase; minus strand). Cytogenetic location: 1p34.1.
Variant type: single nucleotide variant.
Coding change: c.496G>A on transcript NM_001048174.2 (MANE Select); coding-DNA position 496, G replaced by A.
Protein change: p.Val166Ile; replaces valine 166 with isoleucine.
Molecular consequence: missense variant. On other transcripts: non-coding transcript variant (7).
Genome position (GRCh38, 1-based): chr1:45,332,684, C>T on the plus strand (G>A on the coding strand, the complement: MUTYH is on the minus strand). VCF-style: chr1-45332684-C-T. GRCh37 (hg19) VCF-style: chr1-45798356-C-T.
Other names: c.496G>A, p.Val166Ile (NM_001048171.2, NM_001407070.1, NM_001407072.1 and 6 more transcripts); c.499G>A, p.Val167Ile (NM_001048172.2, NM_001407071.1, NM_001407078.1 and 1 more transcripts); c.151G>A, p.Val51Ile (NM_001350651.2, NM_001350650.2, NM_001407082.1); c.529G>A, p.Val177Ile (NM_001407069.1, NM_001407077.1, NM_001293191.2); c.412G>A, p.Val138Ile (NM_001407075.1); c.220G>A, p.Val74Ile (NM_001407091.1, NM_001293192.2, NM_001293196.2); c.571G>A, p.Val191Ile (NM_012222.3); c.580G>A, p.Val194Ile (NM_001128425.2); and 5 more; short protein forms V177I, V138I, V152I, V181I, V74I, V153I, V167I, V194I.
Identifiers: ClinVar variation 4113738 (VCV004113738.1).
Genomic context (GRCh38, chr1:45,332,684, plus strand): 5'-CAGGCAGGAGCTGCTGCAGGGTCTCTGCTGTACGTGGCATGTGGCCCCCTAGCTCCTCTA[C>T]CACCTGATTGGAGTGCAAGACTCAAGATTATAAGACACCCAAGACTCCTGGGTTCCTACC-3'
Protein context (NP_001041639.1, residues 156-176): RRLQEGARKV[Val166Ile]EELGGHMPRT